The following is an entry in ClinVar:

NM_001370259.2(MEN1):c.1049+2_1049+3del

Gene: MEN1 (menin 1; minus strand). Cytogenetic location: 11q13.1.
Variant type: Deletion.
Coding change: c.1049+2_1049+3del on transcript NM_001370259.2 (MANE Select); the canonical splice donor site of the intron after coding-DNA position 1049 through 3 bases into the intron after coding-DNA position 1049, 2 bases deleted (TG; older notation c.1049+2_1049+3delTG).
Molecular consequence: splice donor variant. On other transcripts: non-coding transcript variant (4).
Genome position (GRCh38, 1-based): chr11:64,806,229-64,806,230, CA deleted on the plus strand (TG on the coding strand, the reverse complement: MEN1 is on the minus strand); deleting any 2 consecutive bases within chr11:64,806,229-64,806,231 gives the same sequence; the c. name uses the placement nearest the transcript's 3' end. VCF-style (leftmost placement, unchanged base first): chr11-64806228-TCA-T. GRCh37 (hg19) VCF-style: chr11-64573700-TCA-T.
Other names: c.1064+2_1064+3del (NM_130804.3, NM_130803.3, NM_000244.4 and 5 more transcripts); c.944+2_944+3del (NM_001407148.1, NM_001407149.1, NM_001407151.1 and 2 more transcripts); c.1049+2_1049+3del (NM_130799.3, NM_001407144.1, NM_001370260.2 and 7 more transcripts).
Identifiers: ClinVar variation 3721057 (VCV003721057.2).

ClinVar aggregate classification (germline): Pathogenic (1 of 4 stars; one submission).

Conditions:
Multiple endocrine neoplasia, type 1 (MEN1). Also called: MEN I; WERMER SYNDROME; Endocrine adenomatosis multiple; MEN 1; MEA I. Identifiers: Orphanet 652, MedGen C0025267, MeSH D018761, MONDO:0007540, OMIM 131100.

Submission:

Labcorp Genetics (formerly Invitae), Labcorp
Classification: Pathogenic for Multiple endocrine neoplasia, type 1. Last evaluated: 2024-08-15. Review status: criteria provided, single submitter. Criteria: Invitae Variant Classification Sherloc (09022015). Collection method: clinical testing. Allele origin: germline.
Comment: This sequence change affects a splice site in intron 7 of the MEN1 gene. It is expected to disrupt RNA splicing. Variants that disrupt the donor or acceptor splice site typically lead to a loss of protein function (PMID: 16199547), and loss-of-function variants in MEN1 are known to be pathogenic (PMID: 12112656, 17853334). This variant is not present in population databases (gnomAD no frequency). Disruption of this splice site has been observed in individual(s) with MEN1-related conditions (PMID: 18036394). It has also been observed to segregate with disease in related individuals. This variant is also known as IVS7+1_2delGT. Algorithms developed to predict the effect of sequence changes on RNA splicing suggest that this variant may disrupt the consensus splice site. For these reasons, this variant has been classified as Pathogenic.

Literature cited by the submitters: PubMed 16199547; PubMed 12112656; PubMed 17853334; PubMed 18036394.